The following is an entry in ClinVar:

ClinVar aggregate classification (germline): Uncertain significance (1 of 4 stars; one submission).

gnomAD v4.1: 1 of 1,613,974 alleles (0.000062%); highest among the groups gnomAD compares: East Asian, 0.0022%; no homozygotes.

Submission:

Labcorp Genetics (formerly Invitae), Labcorp
Classification: Uncertain significance. Last evaluated: 2024-12-29. Review status: criteria provided, single submitter. Criteria: Invitae Variant Classification Sherloc (09022015). Collection method: clinical testing. Allele origin: germline.
Comment: This sequence change replaces aspartic acid, which is acidic and polar, with valine, which is neutral and non-polar, at codon 1314 of the FN1 protein (p.Asp1314Val). This variant is present in population databases (no rsID available, gnomAD 0.006%). This variant has not been reported in the literature in individuals affected with FN1-related conditions. An algorithm developed to predict the effect of missense changes on protein structure and function (PolyPhen-2) suggests that this variant is likely to be disruptive. In summary, the available evidence is currently insufficient to determine the role of this variant in disease. Therefore, it has been classified as a Variant of Uncertain Significance.

NM_212482.4(FN1):c.3941A>T (p.Asp1314Val)

Gene: FN1 (fibronectin 1; minus strand). Cytogenetic location: 2q35.
Variant type: single nucleotide variant.
Coding change: c.3941A>T on transcript NM_212482.4 (MANE Select); coding-DNA position 3941, A replaced by T.
Protein change: p.Asp1314Val; replaces aspartic acid 1314 with valine.
Molecular consequence: missense variant. On other transcripts: intron variant (10).
Genome position (GRCh38, 1-based): chr2:215,393,059, T>A on the plus strand (A>T on the coding strand, the complement: FN1 is on the minus strand). VCF-style: chr2-215393059-T-A. GRCh37 (hg19) VCF-style: chr2-216257782-T-A.
Other names: c.3941A>T, p.Asp1314Val (NM_001306129.2, NM_001306130.2, NM_001365517.2 and 3 more transcripts); c.3797-1245A>T (NM_212474.3, NM_001306132.2, NM_001365523.2 and 7 more transcripts); short protein forms D1314V.
Identifiers: ClinVar variation 3728221 (VCV003728221.2).
Genomic context (GRCh38, chr2:215,393,059, plus strand): 5'-TAGTCAATGCCCGGCTCCAGCCCTGTGACTGTGTAGTATCCTACTGAGGAGTCCACAAAA[T>A]CTTCAAAAATAGGGATACCTTCTCCTGCCGCAACTACTGTGATGCGGTACCCAATAATGG-3'
Protein context (NP_997647.2, residues 1304-1324): AAGEGIPIFE[Asp1314Val]FVDSSVGYYT